The following is an entry in ClinVar:

ClinVar aggregate classification (germline): Benign/Likely benign. Review status: criteria provided, multiple submitters, no conflicts (2 of 4 stars). 7 submissions from 7 submitters: Benign (1); Likely benign (5). 1 of the submissions does not count toward it. Last evaluated 2026-01-20.

Conditions:
Cardiovascular phenotype. Identifiers: MedGen CN230736.
EPHB4-related disorder. Also called: EPHB4-related disorders; EPHB4-related condition.

Allele frequency attached by ClinVar (database versions not stated): gnomAD exomes 0.00018; ExAC 0.00029; gnomAD 0.00031 and 0.00034; ESP Exome Variant Server 0.00032; TOPMed 0.00032.
gnomAD v4.1: 1,203 of 1,555,112 alleles (0.077%); highest among the groups gnomAD compares: Non-Finnish European, 0.1%; 1 homozygote.

Submissions (7):

Labcorp Genetics (formerly Invitae), Labcorp
Classification: Likely benign. Last evaluated: 2026-01-20. Review status: criteria provided, single submitter. Criteria: Invitae Variant Classification Sherloc (09022015). Collection method: clinical testing. Allele origin: germline.

Blueprint Genetics
Classification: Likely benign. Last evaluated: 2024-11-08. Review status: criteria provided, single submitter. Criteria: ACMG Guidelines, 2015. Collection method: clinical testing. Allele origin: germline.

Revvity Omics, Revvity
Classification: Likely benign. Last evaluated: 2023-08-25. Review status: criteria provided, single submitter. Criteria: ACMG Guidelines, 2015. Collection method: clinical testing. Allele origin: germline.

Ambry Genetics
Classification: Benign for Cardiovascular phenotype. Last evaluated: 2022-08-22. Review status: criteria provided, single submitter. Criteria: Ambry Variant Classification Scheme 2023. Collection method: clinical testing. Allele origin: germline.

ARUP Laboratories, Molecular Genetics and Genomics, ARUP Laboratories
Classification: Likely benign. Last evaluated: 2021-07-30. Review status: criteria provided, single submitter. Criteria: ARUP Molecular Germline Variant Investigation Process 2021. Collection method: clinical testing. Allele origin: germline.

Breakthrough Genomics
Classification: Likely benign. Review status: criteria provided, single submitter. Criteria: ACMG Guidelines, 2015. Collection method: not provided. Allele origin: germline. Inheritance: Autosomal dominant inheritance. Affected: yes.

PreventionGenetics, part of Exact Sciences
Classification: Likely benign for EPHB4-related condition. Last evaluated: 2022-01-22. Review status: no assertion criteria provided. Collection method: clinical testing. Allele origin: germline. Not counted in ClinVar's aggregate classification.
Comment: This variant is classified as likely benign based on ACMG/AMP sequence variant interpretation guidelines (Richards et al. 2015 PMID: 25741868, with internal and published modifications).

NM_004444.5(EPHB4):c.1017G>T (p.Leu339=)

Gene: EPHB4 (EPH receptor B4; minus strand). Cytogenetic location: 7q22.1.
Variant type: single nucleotide variant.
Coding change: c.1017G>T on transcript NM_004444.5 (MANE Select); coding-DNA position 1017, G replaced by T.
Protein change: p.Leu339=; no amino-acid change (leucine 339 retained).
Molecular consequence: synonymous variant.
Genome position (GRCh38, 1-based): chr7:100,819,837, C>A on the plus strand (G>T on the coding strand, the complement: EPHB4 is on the minus strand). VCF-style: chr7-100819837-C-A. GRCh37 (hg19) VCF-style: chr7-100417459-C-A.
Identifiers: ClinVar variation 1330626 (VCV001330626.19), dbSNP rs55867842, ClinGen allele CA4393126.